The following is an entry in ClinVar:

NM_002834.5(PTPN11):c.983T>C (p.Ile328Thr)

Gene: PTPN11 (protein tyrosine phosphatase non-receptor type 11; plus strand). Cytogenetic location: 12q24.13.
Variant type: single nucleotide variant.
Coding change: c.983T>C on transcript NM_002834.5 (MANE Select); coding-DNA position 983, T replaced by C.
Protein change: p.Ile328Thr; replaces isoleucine 328 with threonine.
Molecular consequence: missense variant.
Genome position (GRCh38, 1-based): chr12:112,477,906, T>C. VCF-style: chr12-112477906-T-C. GRCh37 (hg19) VCF-style: chr12-112915710-T-C.
Other names: c.983T>C (NM_002834.3); c.983T>C, p.Ile328Thr (NM_001330437.2, NM_080601.3); c.980T>C, p.Ile327Thr (NM_001374625.1); short protein forms I328T, I327T.
Identifiers: ClinVar variation 1446271 (VCV001446271.10), dbSNP rs369430257, ClinGen allele CA6798697.

ClinVar aggregate classification (germline): Uncertain significance. Review status: criteria provided, multiple submitters, no conflicts (2 of 4 stars). 4 submissions from 4 submitters: Uncertain significance (4). Last evaluated 2025-09-12.

Conditions:
Cardiovascular phenotype. Identifiers: MedGen CN230736.
RASopathy. Also called: rasopathies; Noonan spectrum disorder. Identifiers: Orphanet 536391, MedGen C5555857, MONDO:0021060.
Juvenile myelomonocytic leukemia (JMML). Also called: LEUKEMIA, JUVENILE MYELOMONOCYTIC, SOMATIC. Identifiers: Orphanet 86834, MedGen C0349639, MONDO:0011908, OMIM 607785, HP:0012209.
LEOPARD syndrome 1 (LPRD1). Also called: LENTIGINOSIS, CARDIOMYOPATHIC; MULTIPLE LENTIGINES SYNDROME; PTPN11-Related LEOPARD Syndrome. Identifiers: Orphanet 500, MedGen C4551484, MONDO:0100082, OMIM 151100.
Noonan syndrome 1 (NS1). Also called: FEMALE PSEUDO-TURNER SYNDROME; TURNER PHENOTYPE WITH NORMAL KARYOTYPE; PTPN11-Related Noonan Syndrome. Identifiers: Orphanet 648, MedGen C4551602, MONDO:0008104, OMIM 163950. Disease mechanism: gain of function.
Metachondromatosis (METCDS). Identifiers: Orphanet 2499, MedGen C0410530, MONDO:0007979, OMIM 156250.

Allele frequency attached by ClinVar (database versions not stated): gnomAD exomes below 0.00001; TOPMed below 0.00001; ExAC 0.00001; gnomAD 0.00001; ESP Exome Variant Server 0.00008.
gnomAD v4.1: 1 of 1,614,072 alleles (0.000062%); highest among the groups gnomAD compares: African/African-American, 0.0013%; no homozygotes.

Submissions (4):

Labcorp Genetics (formerly Invitae), Labcorp
Classification: Uncertain significance for RASopathy. Last evaluated: 2025-09-12. Review status: criteria provided, single submitter. Criteria: Invitae Variant Classification Sherloc (09022015). Collection method: clinical testing. Allele origin: germline.
Comment: This sequence change replaces isoleucine, which is neutral and non-polar, with threonine, which is neutral and polar, at codon 328 of the PTPN11 protein (p.Ile328Thr). This variant is present in population databases (rs369430257, gnomAD 0.007%). This variant has not been reported in the literature in individuals affected with PTPN11-related conditions. ClinVar contains an entry for this variant (Variation ID: 1446271). Invitae Evidence Modeling of protein sequence and biophysical properties (such as structural, functional, and spatial information, amino acid conservation, physicochemical variation, residue mobility, and thermodynamic stability) indicates that this missense variant is expected to disrupt PTPN11 protein function with a positive predictive value of 95%. In summary, the available evidence is currently insufficient to determine the role of this variant in disease. Therefore, it has been classified as a Variant of Uncertain Significance.

Ambry Genetics
Classification: Uncertain significance for Cardiovascular phenotype. Last evaluated: 2025-06-21. Review status: criteria provided, single submitter. Criteria: Ambry Variant Classification Scheme 2023. Collection method: clinical testing. Allele origin: germline.
Comment: The p.I328T variant (also known as c.983T>C), located in coding exon 9 of the PTPN11 gene, results from a T to C substitution at nucleotide position 983. The isoleucine at codon 328 is replaced by threonine, an amino acid with similar properties. This amino acid position is conserved. In addition, this alteration is predicted to be deleterious by in silico analysis. Based on the available evidence, the clinical significance of this variant remains unclear.

Fulgent Genetics
Classification: Uncertain significance for LEOPARD syndrome 1; Metachondromatosis; Noonan syndrome 1; Juvenile myelomonocytic leukemia. Last evaluated: 2024-06-17. Review status: criteria provided, single submitter. Criteria: ACMG Guidelines, 2015. Collection method: clinical testing. Allele origin: germline.

GeneDx
Classification: Uncertain significance. Last evaluated: 2022-08-22. Review status: criteria provided, single submitter. Criteria: GeneDx Variant Classification Process June 2021. Collection method: clinical testing. Allele origin: germline. Affected: yes.
Comment: Missense variants in this gene are often considered pathogenic (HGMD); In silico analysis supports that this missense variant has a deleterious effect on protein structure/function; Has not been previously published as pathogenic or benign to our knowledge